The following is an entry in ClinVar:

ClinVar aggregate classification (germline): Benign/Likely benign. Review status: criteria provided, multiple submitters, no conflicts (2 of 4 stars). 4 submissions from 4 submitters: Benign (1); Likely benign (3). Last evaluated 2025-08-27.

Conditions:
Familial adenomatous polyposis 1 (FAP1). Also called: FAMILIAL ADENOMATOUS POLYPOSIS 1, ATTENUATED; POLYPOSIS, ADENOMATOUS INTESTINAL. Identifiers: MedGen C2713442, MONDO:0021056, OMIM 175100. Disease mechanism: loss of function.
Hereditary cancer-predisposing syndrome. Also called: Tumor predisposition; Hereditary neoplastic syndrome; Neoplastic Syndromes, Hereditary; Hereditary Cancer Syndrome. Identifiers: Orphanet 140162, MedGen C0027672, MeSH D009386, MONDO:0015356.

Allele frequency attached by ClinVar (database versions not stated): gnomAD below 0.00001 and 0.00001; gnomAD exomes below 0.00001.
gnomAD v4.1: 3 of 1,614,036 alleles (0.00019%); highest among the groups gnomAD compares: South Asian, 0.0011%; no homozygotes.

Submissions (4):

Color Diagnostics, LLC DBA Color Health
Classification: Likely benign for Hereditary cancer-predisposing syndrome. Last evaluated: 2025-08-27. Review status: criteria provided, single submitter. Criteria: ACMG Guidelines, 2015. Collection method: clinical testing. Allele origin: germline.

Labcorp Genetics (formerly Invitae), Labcorp
Classification: Likely benign for Familial adenomatous polyposis 1. Last evaluated: 2025-03-05. Review status: criteria provided, single submitter. Criteria: Invitae Variant Classification Sherloc (09022015). Collection method: clinical testing. Allele origin: germline.

Myriad Genetics, Inc.
Classification: Benign for Familial adenomatous polyposis 1. Last evaluated: 2024-03-18. Review status: criteria provided, single submitter. Criteria: Myriad Autosomal Dominant, Autosomal Recessive and X-Linked Classification Criteria (2023). Collection method: clinical testing. Allele origin: unknown.
Comment: This variant is considered benign. This variant is a silent/synonymous amino acid change and it is not expected to impact splicing.

Ambry Genetics
Classification: Likely benign for Hereditary cancer-predisposing syndrome. Last evaluated: 2021-03-04. Review status: criteria provided, single submitter. Criteria: Ambry Variant Classification Scheme 2023. Collection method: clinical testing. Allele origin: germline.

NM_000038.6(APC):c.3303A>G (p.Pro1101=)

Gene: APC (APC regulator of Wnt signaling pathway; plus strand). Cytogenetic location: 5q22.2.
Variant type: single nucleotide variant.
Coding change: c.3303A>G on transcript NM_000038.6 (MANE Select); coding-DNA position 3303, A replaced by G.
Protein change: p.Pro1101=; no amino-acid change (proline 1101 retained).
Molecular consequence: synonymous variant.
Genome position (GRCh38, 1-based): chr5:112,838,897, A>G. VCF-style: chr5-112838897-A-G. GRCh37 (hg19) VCF-style: chr5-112174594-A-G.
Other names: c.3219A>G, p.Pro1073= (NM_001354899.2); c.3357A>G, p.Pro1119= (NM_001354896.2); c.3333A>G, p.Pro1111= (NM_001354897.2); c.3228A>G, p.Pro1076= (NM_001354898.2); c.3303A>G, p.Pro1101= (NM_001127510.3, NM_001354895.2); c.3249A>G, p.Pro1083= (NM_001127511.3); c.3180A>G, p.Pro1060= (NM_001354900.2); c.3126A>G, p.Pro1042= (NM_001354901.2); and 5 more.
Identifiers: ClinVar variation 135696 (VCV000135696.14), dbSNP rs587780594, ClinGen allele CA008250.